The following is an entry in ClinVar:

ClinVar aggregate classification (germline): Likely benign (1 of 4 stars; one submission).

Allele frequency attached by ClinVar (database versions not stated): gnomAD 0.00002 and 0.00003; ExAC 0.00004; gnomAD exomes 0.00004 and 0.00011; TOPMed 0.00007; ESP Exome Variant Server 0.00008.
gnomAD v4.1: 162 of 1,613,832 alleles (0.01%); highest among the groups gnomAD compares: Non-Finnish European, 0.013%; no homozygotes.

Submission:

Athena Diagnostics
Classification: Likely benign. Last evaluated: 2025-08-21. Review status: criteria provided, single submitter. Criteria: Athena Diagnostics Criteria. Collection method: clinical testing. Allele origin: unknown.
Comment: The frequency of this variant in the general population is higher than would generally be expected for pathogenic variants in this gene. Computational tools yielded predictions that this variant is unlikely to have an effect on normal RNA splicing.

NM_173500.4(TTBK2):c.108C>T (p.Tyr36=)

Gene: TTBK2 (tau tubulin kinase 2; minus strand). Cytogenetic location: 15q15.2.
Variant type: single nucleotide variant.
Coding change: c.108C>T on transcript NM_173500.4 (MANE Select); coding-DNA position 108, C replaced by T.
Protein change: p.Tyr36=; no amino-acid change (tyrosine 36 retained).
Molecular consequence: synonymous variant.
Genome position (GRCh38, 1-based): chr15:42,872,720, G>A on the plus strand (C>T on the coding strand, the complement: TTBK2 is on the minus strand). VCF-style: chr15-42872720-G-A. GRCh37 (hg19) VCF-style: chr15-43164918-G-A.
Identifiers: ClinVar variation 448745 (VCV000448745.3), dbSNP rs56234199, ClinGen allele CA7517576.